The following is an entry in ClinVar:

ClinVar aggregate classification (germline): Uncertain significance (1 of 4 stars; one submission).

Conditions:
Inborn genetic diseases. Identifiers: MedGen C0950123, MeSH D030342.

Allele frequency attached by ClinVar (database versions not stated): ExAC 0.00003; gnomAD 0.00004; 1000 Genomes Project 30x 0.00016; 1000 Genomes Project 0.00020.

Submission:

Ambry Genetics
Classification: Uncertain significance for Inborn genetic diseases. Last evaluated: 2024-12-20. Review status: criteria provided, single submitter. Criteria: Ambry Variant Classification Scheme 2023. Collection method: clinical testing. Allele origin: germline.
Comment: The p.G341D variant (also known as c.1022G>A) is located in coding exon 5 of the SH2B3 gene. The glycine at codon 341 is replaced by aspartic acid, an amino acid with similar properties. This change occurs in the first base pair of coding exon 5. This amino acid position is conserved. In addition, this alteration is predicted to be tolerated by in silico analysis. Based on the available evidence, the clinical significance of this variant remains unclear.

NM_005475.3(SH2B3):c.1022G>A (p.Gly341Asp)

Gene: SH2B3 (SH2B adaptor protein 3; plus strand). Cytogenetic location: 12q24.12.
Variant type: single nucleotide variant.
Coding change: c.1022G>A on transcript NM_005475.3 (MANE Select); coding-DNA position 1022, G replaced by A.
Protein change: p.Gly341Asp; replaces glycine 341 with aspartic acid.
Molecular consequence: missense variant.
Genome position (GRCh38, 1-based): chr12:111,447,330, G>A. VCF-style: chr12-111447330-G-A. GRCh37 (hg19) VCF-style: chr12-111885134-G-A.
Other names: c.416G>A, p.Gly139Asp (NM_001291424.1); short protein forms G139D, G341D.
Identifiers: ClinVar variation 2369292 (VCV002369292.3), dbSNP rs576672114, ClinGen allele CA6789844.
Genomic context (GRCh38, chr12:111,447,330, plus strand): 5'-GACTCAGCCCAGGACATAAGGTAGCCCCCTGCGACCACCATCACCCATCTTATCTAACAG[G>A]TGCTTCTCCTGGGGGGCTGCTGGACCCGGCCTGCCAGAAGACGGACCATTTCCTGTCCTG-3'
Protein context (NP_005466.1, residues 331-351): PRGSTDSLNQ[Gly341Asp]ASPGGLLDPA